The following is an entry in ClinVar:

NM_001868.4(CPA1):c.865A>C (p.Ile289Leu)

Gene: CPA1 (carboxypeptidase A1; plus strand). Cytogenetic location: 7q32.2.
Variant type: single nucleotide variant.
Coding change: c.865A>C on transcript NM_001868.4 (MANE Select); coding-DNA position 865, A replaced by C.
Protein change: p.Ile289Leu; replaces isoleucine 289 with leucine.
Molecular consequence: missense variant.
Genome position (GRCh38, 1-based): chr7:130,385,223, A>C. VCF-style: chr7-130385223-A-C. GRCh37 (hg19) VCF-style: chr7-130025064-A-C.
Other names: short protein forms I289L.
Identifiers: ClinVar variation 4559574 (VCV004559574.1).

ClinVar aggregate classification (germline): Uncertain significance (1 of 4 stars; one submission).

Conditions:
Hereditary pancreatitis (PCTT). Also called: Hereditary chronic pancreatitis; PRSS1-Related Hereditary Pancreatitis. Identifiers: Orphanet 676, MedGen C0238339, MONDO:0008185, OMIM 167800.

gnomAD v4.1: 1 of 1,614,136 alleles (0.000062%); highest among the groups gnomAD compares: Non-Finnish European, 0.000085%; no homozygotes.

Submission:

Ambry Genetics
Classification: Uncertain significance for Hereditary pancreatitis. Last evaluated: 2025-10-13. Review status: criteria provided, single submitter. Criteria: Ambry Variant Classification Scheme 2023. Collection method: clinical testing. Allele origin: germline.
Comment: The p.I289L variant (also known as c.865A>C), located in coding exon 8 of the CPA1 gene, results from an A to C substitution at nucleotide position 865. The isoleucine at codon 289 is replaced by leucine, an amino acid with highly similar properties. This amino acid position is conserved. In addition, this alteration is predicted to be tolerated by in silico analysis. Based on the available evidence, the clinical significance of this variant remains unclear.